The following is an entry in ClinVar:

NM_006060.6(IKZF1):c.160+19G>C

Gene: IKZF1 (IKAROS family zinc finger 1; plus strand). Cytogenetic location: 7p12.2.
Variant type: single nucleotide variant.
Coding change: c.160+19G>C on transcript NM_006060.6 (MANE Select); 19 bases into the intron after coding-DNA position 160, G replaced by C.
Molecular consequence: intron variant.
Genome position (GRCh38, 1-based): chr7:50,327,776, G>C. VCF-style: chr7-50327776-G-C. GRCh37 (hg19) VCF-style: chr7-50367372-G-C.
Other names: c.160+19G>C (NM_001410879.1, NM_001291839.2, NM_001220765.3 and 14 more transcripts).
Identifiers: ClinVar variation 2757567 (VCV002757567.3), dbSNP rs778906916, ClinGen allele CA2682800731.

ClinVar aggregate classification (germline): Uncertain significance (1 of 4 stars; one submission).

gnomAD v4.1: 2 of 1,591,778 alleles (0.00013%); highest among the groups gnomAD compares: Non-Finnish European, 0.00017%; no homozygotes.

Submission:

Labcorp Genetics (formerly Invitae), Labcorp
Classification: Uncertain significance. Last evaluated: 2023-09-06. Review status: criteria provided, single submitter. Criteria: Invitae Variant Classification Sherloc (09022015). Collection method: clinical testing. Allele origin: germline.
Comment: In summary, the available evidence is currently insufficient to determine the role of this variant in disease. Therefore, it has been classified as a Variant of Uncertain Significance. Experimental studies and prediction algorithms are not available or were not evaluated, and the effect of this variant on mRNA splicing is currently unknown. This variant has not been reported in the literature in individuals affected with IKZF1-related conditions. This variant is not present in population databases (gnomAD no frequency). This sequence change falls in intron 3 of the IKZF1 gene. It does not directly change the encoded amino acid sequence of the IKZF1 protein.